The following is an entry in ClinVar:

ClinVar aggregate classification (germline): Uncertain significance (1 of 4 stars; one submission).

Submission:

GeneDx
Classification: Uncertain significance. Last evaluated: 2024-08-09. Review status: criteria provided, single submitter. Criteria: GeneDx Variant Classification Process June 2021. Collection method: clinical testing. Allele origin: germline. Affected: yes.
Comment: Not observed at significant frequency in large population cohorts (gnomAD); In silico analysis supports that this missense variant has a deleterious effect on protein structure/function; Has not been previously published as pathogenic or benign to our knowledge

NM_006767.4(LZTR1):c.1399A>G (p.Ser467Gly)

Gene: LZTR1 (leucine zipper like post translational regulator 1; plus strand). Cytogenetic location: 22q11.21.
Variant type: single nucleotide variant.
Coding change: c.1399A>G on transcript NM_006767.4 (MANE Select); coding-DNA position 1399, A replaced by G.
Protein change: p.Ser467Gly; replaces serine 467 with glycine.
Molecular consequence: missense variant.
Genome position (GRCh38, 1-based): chr22:20,993,969, A>G. VCF-style: chr22-20993969-A-G. GRCh37 (hg19) VCF-style: chr22-21348258-A-G.
Other names: short protein forms S467G.
Identifiers: ClinVar variation 3602886 (VCV003602886.1).